The following is an entry in ClinVar:

ClinVar aggregate classification (germline): Uncertain significance. Review status: criteria provided, multiple submitters, no conflicts (2 of 4 stars). 2 submissions from 2 submitters: Uncertain significance (2). Last evaluated 2025-03-08.

Conditions:
Inborn genetic diseases. Identifiers: MedGen C0950123, MeSH D030342.

Allele frequency attached by ClinVar (database versions not stated): TOPMed below 0.00001; ExAC 0.00001; ESP Exome Variant Server 0.00008.
gnomAD v4.1: 1 of 1,613,928 alleles (0.000062%); no homozygotes.

Submissions (2):

Ambry Genetics
Classification: Uncertain significance for Inborn genetic diseases. Last evaluated: 2025-03-08. Review status: criteria provided, single submitter. Criteria: Ambry Variant Classification Scheme 2023. Collection method: clinical testing. Allele origin: germline.
Comment: The p.F333S variant (also known as c.998T>C), located in coding exon 9 of the ANKRD26 gene, results from a T to C substitution at nucleotide position 998. The phenylalanine at codon 333 is replaced by serine, an amino acid with highly dissimilar properties. This amino acid position is conserved. In addition, this alteration is predicted to be tolerated by in silico analysis. Based on the available evidence, the clinical significance of this variant remains unclear.

Labcorp Genetics (formerly Invitae), Labcorp
Classification: Uncertain significance. Last evaluated: 2022-04-13. Review status: criteria provided, single submitter. Criteria: Invitae Variant Classification Sherloc (09022015). Collection method: clinical testing. Allele origin: germline.
Comment: This variant has not been reported in the literature in individuals affected with ANKRD26-related conditions. In summary, the available evidence is currently insufficient to determine the role of this variant in disease. Therefore, it has been classified as a Variant of Uncertain Significance. Algorithms developed to predict the effect of missense changes on protein structure and function output the following: SIFT: "Tolerated"; PolyPhen-2: "Benign"; Align-GVGD: "Class C0". The serine amino acid residue is found in multiple mammalian species, which suggests that this missense change does not adversely affect protein function. This variant is present in population databases (rs373540973, gnomAD 0.0009%). This sequence change replaces phenylalanine, which is neutral and non-polar, with serine, which is neutral and polar, at codon 333 of the ANKRD26 protein (p.Phe333Ser).

NM_014915.3(ANKRD26):c.998T>C (p.Phe333Ser)

Gene: ANKRD26 (ankyrin repeat domain 26; minus strand). Cytogenetic location: 10p12.1.
Variant type: single nucleotide variant.
Coding change: c.998T>C on transcript NM_014915.3 (MANE Select); coding-DNA position 998, T replaced by C.
Protein change: p.Phe333Ser; replaces phenylalanine 333 with serine.
Molecular consequence: missense variant.
Genome position (GRCh38, 1-based): chr10:27,077,417, A>G on the plus strand (T>C on the coding strand, the complement: ANKRD26 is on the minus strand). VCF-style: chr10-27077417-A-G. GRCh37 (hg19) VCF-style: chr10-27366346-A-G.
Other names: c.998T>C, p.Phe333Ser (NM_001256053.2); short protein forms F333S.
Identifiers: ClinVar variation 1960243 (VCV001960243.6), dbSNP rs373540973, ClinGen allele CA5448720.